The following is an entry in ClinVar:

ClinVar aggregate classification (germline): Uncertain significance. Review status: criteria provided, multiple submitters, no conflicts (2 of 4 stars). 2 submissions from 2 submitters: Uncertain significance (2). Last evaluated 2025-03-01.

Conditions:
Hereditary cancer-predisposing syndrome. Also called: Hereditary Cancer Syndrome; Hereditary neoplastic syndrome; Neoplastic Syndromes, Hereditary; Tumor predisposition. Identifiers: Orphanet 140162, MedGen C0027672, MeSH D009386, MONDO:0015356.
DICER1-related tumor predisposition. Also called: DICER1 syndrome; DICER1-related pleuropulmonary blastoma cancer predisposition syndrome. Identifiers: Orphanet 284343, MedGen C3839822, MONDO:0100216.

Allele frequency attached by ClinVar (database versions not stated): gnomAD exomes below 0.00001; TOPMed 0.00001.
gnomAD v4.1: 2 of 1,613,850 alleles (0.00012%); highest among the groups gnomAD compares: East Asian, 0.0022%; no homozygotes.

Submissions (2):

Ambry Genetics
Classification: Uncertain significance for Hereditary cancer-predisposing syndrome. Last evaluated: 2025-03-01. Review status: criteria provided, single submitter. Criteria: Ambry Variant Classification Scheme 2023. Collection method: clinical testing. Allele origin: germline.
Comment: The p.S962F variant (also known as c.2885C>T), located in coding exon 17 of the DICER1 gene, results from a C to T substitution at nucleotide position 2885. The serine at codon 962 is replaced by phenylalanine, an amino acid with highly dissimilar properties. This amino acid position is conserved. In addition, the in silico prediction for this alteration is inconclusive. Based on the available evidence, the clinical significance of this variant remains unclear.

Labcorp Genetics (formerly Invitae), Labcorp
Classification: Uncertain significance for DICER1-related tumor predisposition. Last evaluated: 2023-11-04. Review status: criteria provided, single submitter. Criteria: Invitae Variant Classification Sherloc (09022015). Collection method: clinical testing. Allele origin: germline.
Comment: This sequence change replaces serine, which is neutral and polar, with phenylalanine, which is neutral and non-polar, at codon 962 of the DICER1 protein (p.Ser962Phe). This variant is not present in population databases (gnomAD no frequency). This variant has not been reported in the literature in individuals affected with DICER1-related conditions. Advanced modeling of protein sequence and biophysical properties (such as structural, functional, and spatial information, amino acid conservation, physicochemical variation, residue mobility, and thermodynamic stability) has been performed at Invitae for this missense variant, however the output from this modeling did not meet the statistical confidence thresholds required to predict the impact of this variant on DICER1 protein function. In summary, the available evidence is currently insufficient to determine the role of this variant in disease. Therefore, it has been classified as a Variant of Uncertain Significance.

NM_177438.3(DICER1):c.2885C>T (p.Ser962Phe)

Gene: DICER1 (dicer 1, ribonuclease III; minus strand). Cytogenetic location: 14q32.13.
Variant type: single nucleotide variant.
Coding change: c.2885C>T on transcript NM_177438.3 (MANE Select); coding-DNA position 2885, C replaced by T.
Protein change: p.Ser962Phe; replaces serine 962 with phenylalanine.
Molecular consequence: missense variant. On other transcripts: non-coding transcript variant (6).
Genome position (GRCh38, 1-based): chr14:95,106,143, G>A on the plus strand (C>T on the coding strand, the complement: DICER1 is on the minus strand). VCF-style: chr14-95106143-G-A. GRCh37 (hg19) VCF-style: chr14-95572480-G-A.
Other names: c.2885C>T, p.Ser962Phe (NM_001195573.1, NM_001271282.3, NM_001291628.2 and 13 more transcripts); c.2603C>T, p.Ser868Phe (NM_001395686.1); c.2480C>T, p.Ser827Phe (NM_001395687.1, NM_001395688.1, NM_001395689.1 and 2 more transcripts); c.2318C>T, p.Ser773Phe (NM_001395691.1); c.1202C>T, p.Ser401Phe (NM_001395697.1); short protein forms S773F, S868F, S401F, S962F, S827F.
Identifiers: ClinVar variation 2988849 (VCV002988849.4), dbSNP rs1891402225, ClinGen allele CA390879031.